The following is an entry in ClinVar:

NM_000257.4(MYH7):c.3461G>A (p.Gly1154Asp)

Gene: MYH7 (myosin heavy chain 7; minus strand). Cytogenetic location: 14q11.2.
Variant type: single nucleotide variant.
Coding change: c.3461G>A on transcript NM_000257.4 (MANE Select); coding-DNA position 3461, G replaced by A.
Protein change: p.Gly1154Asp; replaces glycine 1154 with aspartic acid.
Molecular consequence: missense variant.
Genome position (GRCh38, 1-based): chr14:23,420,110, C>T on the plus strand (G>A on the coding strand, the complement: MYH7 is on the minus strand). VCF-style: chr14-23420110-C-T. GRCh37 (hg19) VCF-style: chr14-23889319-C-T.
Other names: c.3461G>A, p.Gly1154Asp (NM_001407004.1); short protein forms G1154D.
Identifiers: ClinVar variation 3387311 (VCV003387311.2).

ClinVar aggregate classification (germline): Uncertain significance. Review status: criteria provided, multiple submitters, no conflicts (2 of 4 stars). 2 submissions from 2 submitters: Uncertain significance (2). Last evaluated 2024-03-05.

Conditions:
Cardiomyopathy (CMYO). Also called: Cardiomyopathies. Identifiers: Orphanet 167848, MedGen C0878544, MONDO:0004994, HP:0001638. Inheritance: Various modes of inheritance.

Submissions (2):

All of Us Research Program, National Institutes of Health
Classification: Uncertain significance for Cardiomyopathy. Last evaluated: 2024-03-05. Review status: criteria provided, single submitter. Criteria: ACMG Guidelines, 2015. Collection method: clinical testing. Allele origin: germline. Inheritance: Autosomal dominant inheritance. Observed: 1 variant allele, 1 heterozygote.
Comment: This study involves interpretation of variants in research participants for the purpose of population health screening. Participant phenotype was not available at the time of variant classification. Additional details can be found in publication PMID: 35346344, PMCID: PMC8962531

Blueprint Genetics
Classification: Uncertain significance. Last evaluated: 2024-01-11. Review status: criteria provided, single submitter. Criteria: ACMG Guidelines, 2015. Collection method: clinical testing. Allele origin: germline.